The following is an entry in ClinVar:

ClinVar aggregate classification (germline): Likely pathogenic (1 of 4 stars; one submission).

Conditions:
Pyridoxal phosphate-responsive seizures (PNPOD). Also called: EPILEPTIC ENCEPHALOPATHY, NEONATAL, PNPO-RELATED; SEIZURES, PYRIDOXINE-RESISTANT, PLP-SENSITIVE; Pyridoxal 5'-Phosphate (PLP)-Dependent Epilepsy; Pyridoxamine 5-Prime-Phosphate Oxidase Deficiency; Pyridoxine-5'-phosphate oxidase deficiency. Identifiers: Orphanet 79096, MedGen C1864723, MONDO:0012407, OMIM 610090. Disease mechanism: loss of function.

Submission:

Women's Health and Genetics/Laboratory Corporation of America, LabCorp
Classification: Likely pathogenic for Pyridoxal phosphate-responsive seizures. Last evaluated: 2023-04-17. Review status: criteria provided, single submitter. Criteria: LabCorp Variant Classification Summary - May 2015. Collection method: clinical testing. Allele origin: germline.
Comment: Variant summary: PNPO c.563dupA (p.Asn188LysfsX2) results in a premature termination codon, predicted to cause a truncation of the encoded protein or absence of the protein due to nonsense mediated decay, which are commonly known mechanisms for disease. Truncations downstream of this position have been classified as pathogenic in ClinVar and reported in association with Epilepsy and PNPO deficiency in HGMD. The variant allele was found at a frequency of 4e-06 in 250742 control chromosomes. The available data on variant occurrences in the general population are insufficient to allow any conclusion about variant significance. To our knowledge, no occurrence of c.563dupA in individuals affected with Pyridoxal 5'-Phosphate-Dependent Epilepsy and no experimental evidence demonstrating its impact on protein function have been reported. No clinical diagnostic laboratories have submitted clinical-significance assessments for this variant to ClinVar after 2014. Based on the evidence outlined above, the variant was classified as likely pathogenic.

NM_018129.4(PNPO):c.563dup (p.Asn188fs)

Gene: PNPO (pyridoxamine 5'-phosphate oxidase; plus strand). Cytogenetic location: 17q21.32.
Variant type: Duplication.
Coding change: c.563dup on transcript NM_018129.4 (MANE Select); coding-DNA position 563, one base duplicated (A; older notation c.563dupA).
Protein change: p.Asn188fs; shifts the reading frame from asparagine 188.
Molecular consequence: frameshift variant.
Genome position (GRCh38, 1-based): chr17:47,946,339, A duplicated; the last of 5 consecutive A bases (chr17:47,946,335-47,946,339); duplicating any one gives the same sequence. VCF-style (leftmost placement, unchanged base first): chr17-47946334-G-GA. GRCh37 (hg19) VCF-style: chr17-46023700-G-GA.
Other names: c.563dupA (NM_018129.3); short protein forms N188fs.
Identifiers: ClinVar variation 2503803 (VCV002503803.1), dbSNP rs768211557, ClinGen allele CA8629239.